The following is an entry in ClinVar:

ClinVar aggregate classification (germline): Benign (0 of 4 stars; one submission).

Conditions:
FAT3-related disorder. Also called: FAT3-related condition.

Allele frequency attached by ClinVar (database versions not stated): gnomAD exomes 0.00055; ExAC 0.00101; ESP Exome Variant Server 0.00277; gnomAD 0.00301; TOPMed 0.00378; 1000 Genomes Project 0.00379; 1000 Genomes Project 30x 0.00437.
gnomAD v4.1: 1,308 of 1,613,888 alleles (0.081%); highest among the groups gnomAD compares: African/African-American, 1%; 6 homozygotes.

Submission:

PreventionGenetics, part of Exact Sciences
Classification: Benign for FAT3-related condition. Last evaluated: 2019-10-28. Review status: no assertion criteria provided. Collection method: clinical testing. Allele origin: germline.
Comment: This variant is classified as benign based on ACMG/AMP sequence variant interpretation guidelines (Richards et al. 2015 PMID: 25741868, with internal and published modifications).

NM_001367949.2(FAT3):c.5198G>A (p.Arg1733His)

Gene: FAT3 (FAT atypical cadherin 3; plus strand). Cytogenetic location: 11q14.3.
Variant type: single nucleotide variant.
Coding change: c.5198G>A on transcript NM_001367949.2 (MANE Select); coding-DNA position 5198, G replaced by A.
Protein change: p.Arg1733His; replaces arginine 1733 with histidine.
Molecular consequence: missense variant.
Genome position (GRCh38, 1-based): chr11:92,798,211, G>A. VCF-style: chr11-92798211-G-A. GRCh37 (hg19) VCF-style: chr11-92531377-G-A.
Other names: c.5198G>A, p.Arg1733His (NM_001008781.3); short protein forms R1733H.
Identifiers: ClinVar variation 3034931 (VCV003034931.2), dbSNP rs150673105, ClinGen allele CA6227097.
Genomic context (GRCh38, chr11:92,798,211, plus strand): 5'-TCTTTACCATAAATCCATATTCTGGAGTCATCACCACTCAGAAGGCCCTGGATTATGAGC[G>A]CACATCCTCTTATCAACTCATCATTCAGGCCACCAATATGGCAGGAATGGCTTCCAATGC-3'
Protein context (NP_001354878.1, residues 1723-1743): ITTQKALDYE[Arg1733His]TSSYQLIIQA